The following is an entry in ClinVar:

ClinVar aggregate classification (germline): Benign (1 of 4 stars; one submission).

Conditions:
Oligodontia-cancer predisposition syndrome. Also called: TOOTH AGENESIS-COLORECTAL CANCER SYNDROME. Identifiers: Orphanet 300576, MedGen C1837750, MONDO:0012075, OMIM 608615. Disease mechanism: loss of function.

Submission:

Myriad Genetics, Inc.
Classification: Benign for Oligodontia-cancer predisposition syndrome. Last evaluated: 2024-06-26. Review status: criteria provided, single submitter. Criteria: Myriad Autosomal Dominant, Autosomal Recessive and X-Linked Classification Criteria (2023). Collection method: clinical testing. Allele origin: unknown.
Comment: This variant is considered benign. This variant is a silent/synonymous amino acid change and it is not expected to impact splicing.

NM_004655.4(AXIN2):c.399G>T (p.Ala133=)

Gene: AXIN2 (axin 2; minus strand). Cytogenetic location: 17q24.1.
Variant type: single nucleotide variant.
Coding change: c.399G>T on transcript NM_004655.4 (MANE Select); coding-DNA position 399, G replaced by T.
Protein change: p.Ala133=; no amino-acid change (alanine 133 retained).
Molecular consequence: synonymous variant.
Genome position (GRCh38, 1-based): chr17:65,558,222, C>A on the plus strand (G>T on the coding strand, the complement: AXIN2 is on the minus strand). VCF-style: chr17-65558222-C-A. GRCh37 (hg19) VCF-style: chr17-63554340-C-A.
Other names: c.399G>T, p.Ala133= (NM_001363813.1).
Identifiers: ClinVar variation 3254320 (VCV003254320.1), dbSNP rs754867315.
Genomic context (GRCh38, chr17:65,558,222, plus strand): 5'-GGTGGCAGGCTTCAGCTGCTTGGAGACAATGCTGTTGTTCTCAATGTACCTTTTGTAGAT[C>A]GCTTTGGCTACTCGTAAAGTTTTGGTATCCTTCAGGTTCATCTGCCTGAATCCATTGCAG-3'
Protein context (NP_004646.3, residues 123-143): KDTKTLRVAK[Ala133=]IYKRYIENNS